The following is an entry in ClinVar:

NM_032444.4(SLX4):c.4542G>T (p.Trp1514Cys)

Gene: SLX4 (SLX4 structure-specific endonuclease subunit; minus strand). Cytogenetic location: 16p13.3.
Variant type: single nucleotide variant.
Coding change: c.4542G>T on transcript NM_032444.4 (MANE Select); coding-DNA position 4542, G replaced by T.
Protein change: p.Trp1514Cys; replaces tryptophan 1514 with cysteine.
Molecular consequence: missense variant.
Genome position (GRCh38, 1-based): chr16:3,589,096, C>A on the plus strand (G>T on the coding strand, the complement: SLX4 is on the minus strand). VCF-style: chr16-3589096-C-A. GRCh37 (hg19) VCF-style: chr16-3639097-C-A.
Other names: short protein forms W1514C.
Identifiers: ClinVar variation 1425250 (VCV001425250.5), dbSNP rs1198880078, ClinGen allele CA394516922.

ClinVar aggregate classification (germline): Uncertain significance (1 of 4 stars; one submission).

Conditions:
Fanconi anemia (FA). Also called: Fanconi's anemia. Identifiers: Orphanet 84, MedGen C0015625, MeSH D005199, MONDO:0019391.

gnomAD v4.1: 3 of 1,614,154 alleles (0.00019%); highest among the groups gnomAD compares: Non-Finnish European, 0.00025%; no homozygotes.

Submission:

Labcorp Genetics (formerly Invitae), Labcorp
Classification: Uncertain significance for Fanconi anemia. Last evaluated: 2021-09-17. Review status: criteria provided, single submitter. Criteria: Invitae Variant Classification Sherloc (09022015). Collection method: clinical testing. Allele origin: germline.
Comment: This sequence change replaces tryptophan with cysteine at codon 1514 of the SLX4 protein (p.Trp1514Cys). The tryptophan residue is highly conserved and there is a large physicochemical difference between tryptophan and cysteine. This variant is not present in population databases (ExAC no frequency). This variant has not been reported in the literature in individuals affected with SLX4-related conditions. Algorithms developed to predict the effect of missense changes on protein structure and function are either unavailable or do not agree on the potential impact of this missense change (SIFT: "Deleterious"; PolyPhen-2: "Probably Damaging"; Align-GVGD: "Class C0"). In summary, the available evidence is currently insufficient to determine the role of this variant in disease. Therefore, it has been classified as a Variant of Uncertain Significance.